The following is an entry in ClinVar:

NM_000540.3(RYR1):c.3311C>G (p.Ala1104Gly)

Gene: RYR1 (ryanodine receptor 1; plus strand). Cytogenetic location: 19q13.2.
Variant type: single nucleotide variant.
Coding change: c.3311C>G on transcript NM_000540.3 (MANE Select); coding-DNA position 3311, C replaced by G.
Protein change: p.Ala1104Gly; replaces alanine 1104 with glycine.
Molecular consequence: missense variant.
Genome position (GRCh38, 1-based): chr19:38,467,742, C>G. VCF-style: chr19-38467742-C-G. GRCh37 (hg19) VCF-style: chr19-38958382-C-G.
Other names: c.3311C>G, p.Ala1104Gly (NM_001042723.2); short protein forms A1104G.
Identifiers: ClinVar variation 1313027 (VCV001313027.2), dbSNP rs149096607, ClinGen allele CA064666.

ClinVar aggregate classification (germline): Uncertain significance (1 of 4 stars; one submission).

gnomAD v4.1: 1 of 1,614,200 alleles (0.000062%); highest among the groups gnomAD compares: South Asian, 0.0011%; no homozygotes.

Submission:

GeneDx
Classification: Uncertain significance. Last evaluated: 2020-07-09. Review status: criteria provided, single submitter. Criteria: GeneDx Variant Classification Process June 2021. Collection method: clinical testing. Allele origin: germline. Affected: yes.
Comment: Not observed in large population cohorts (Lek et al., 2016); In silico analysis supports that this missense variant has a deleterious effect on protein structure/function; Has not been previously published as pathogenic or benign to our knowledge